The following is an entry in ClinVar:

ClinVar aggregate classification (germline): Uncertain significance (1 of 4 stars; one submission).

Submission:

GeneDx
Classification: Uncertain significance. Last evaluated: 2024-11-18. Review status: criteria provided, single submitter. Criteria: GeneDx Variant Classification Process June 2021. Collection method: clinical testing. Allele origin: germline. Affected: yes.
Comment: Not observed at significant frequency in large population cohorts (gnomAD); In silico analysis supports that this missense variant has a deleterious effect on protein structure/function; Has not been previously published as pathogenic or benign to our knowledge

NM_012154.5(AGO2):c.1449G>T (p.Met483Ile)

Gene: AGO2 (argonaute RISC catalytic component 2; minus strand). Cytogenetic location: 8q24.3.
Variant type: single nucleotide variant.
Coding change: c.1449G>T on transcript NM_012154.5 (MANE Select); coding-DNA position 1449, G replaced by T.
Protein change: p.Met483Ile; replaces methionine 483 with isoleucine.
Molecular consequence: missense variant.
Genome position (GRCh38, 1-based): chr8:140,549,253, C>A on the plus strand (G>T on the coding strand, the complement: AGO2 is on the minus strand). VCF-style: chr8-140549253-C-A. GRCh37 (hg19) VCF-style: chr8-141559352-C-A.
Other names: c.1449G>T, p.Met483Ile (NM_001164623.3); short protein forms M483I.
Identifiers: ClinVar variation 3899733 (VCV003899733.1).
Genomic context (GRCh38, chr8:140,549,253, plus strand): 5'-GGGCTCCACGCTGTCCGCCCCCTGCGCGTATTTGCAGAAGCACGGCTGGCCCTGGATGGG[C>A]ATGCCGGCGTCTCTCGAGATCTTTCTGAGCTGCTCTGTGAAGGACCTGCAGGAGAAGGCT-3'
Protein context (NP_036286.2, residues 473-493): QLRKISRDAG[Met483Ile]PIQGQPCFCK